The following is an entry in ClinVar:

ClinVar aggregate classification (germline): Uncertain significance. Review status: criteria provided, multiple submitters, no conflicts (2 of 4 stars). 3 submissions from 3 submitters: Uncertain significance (3). Last evaluated 2022-07-04.

Conditions:
Giant axonal neuropathy 1 (GAN1). Also called: GIANT AXONAL NEUROPATHY 1, AUTOSOMAL RECESSIVE; GAN-Related Neurodegeneration. Identifiers: Orphanet 643, MedGen C1850386, MONDO:0009749, OMIM 256850.

Allele frequency attached by ClinVar (database versions not stated): gnomAD 0.00001 and 0.00002; gnomAD exomes 0.00001 and 0.00002; TOPMed 0.00002; ExAC 0.00003; ESP Exome Variant Server 0.00008; 1000 Genomes Project 30x 0.00016; 1000 Genomes Project 0.00020.
gnomAD v4.1: 16 of 1,613,712 alleles (0.00099%); highest among the groups gnomAD compares: Admixed American, 0.0033%; no homozygotes.

Submissions (3):

Labcorp Genetics (formerly Invitae), Labcorp
Classification: Uncertain significance for Giant axonal neuropathy 1. Last evaluated: 2022-07-04. Review status: criteria provided, single submitter. Criteria: Invitae Variant Classification Sherloc (09022015). Collection method: clinical testing. Allele origin: germline.
Comment: This sequence change replaces arginine, which is basic and polar, with glutamine, which is neutral and polar, at codon 242 of the GAN protein (p.Arg242Gln). This variant is present in population databases (rs371906996, gnomAD 0.007%). This variant has not been reported in the literature in individuals affected with GAN-related conditions. ClinVar contains an entry for this variant (Variation ID: 888319). Algorithms developed to predict the effect of missense changes on protein structure and function (SIFT, PolyPhen-2, Align-GVGD) all suggest that this variant is likely to be tolerated. In summary, the available evidence is currently insufficient to determine the role of this variant in disease. Therefore, it has been classified as a Variant of Uncertain Significance.

Mayo Clinic Laboratories, Mayo Clinic
Classification: Uncertain significance. Last evaluated: 2020-03-12. Review status: criteria provided, single submitter. Criteria: ACMG Guidelines, 2015. Collection method: clinical testing. Allele origin: germline. Observed: 1 variant allele.

Illumina Laboratory Services, Illumina
Classification: Uncertain significance for Giant axonal neuropathy 1. Last evaluated: 2018-01-13. Review status: criteria provided, single submitter. Criteria: ICSL Variant Classification Criteria 13 December 2019. Collection method: clinical testing. Allele origin: germline.

NM_022041.4(GAN):c.725G>A (p.Arg242Gln)

Gene: GAN (gigaxonin; plus strand). Cytogenetic location: 16q23.2.
Variant type: single nucleotide variant.
Coding change: c.725G>A on transcript NM_022041.4 (MANE Select); coding-DNA position 725, G replaced by A.
Protein change: p.Arg242Gln; replaces arginine 242 with glutamine.
Molecular consequence: missense variant.
Genome position (GRCh38, 1-based): chr16:81,356,876, G>A. VCF-style: chr16-81356876-G-A. GRCh37 (hg19) VCF-style: chr16-81390481-G-A.
Other names: c.86G>A, p.Arg29Gln (NM_001377486.1); short protein forms R242Q, R29Q.
Identifiers: ClinVar variation 888319 (VCV000888319.14), dbSNP rs371906996, ClinGen allele CA8191458.
Genomic context (GRCh38, chr16:81,356,876, plus strand): 5'-GGGTTTCAGGGTTGGACTCCAGTTATTTACGGGAACAGATGCTGAATGAACCATTAGTAC[G>A]AGAAATTGTCAAAGAGTGTAGCAATATACCGCTCAGCCAGCCGCAGCAAGGGGAGGCGAT-3'
Protein context (NP_071324.1, residues 232-252): REQMLNEPLV[Arg242Gln]EIVKECSNIP